The following is an entry in ClinVar:

NM_001148.6(ANK2):c.11105A>G (p.Glu3702Gly)

Gene: ANK2 (ankyrin 2; plus strand). Cytogenetic location: 4q26.
Variant type: single nucleotide variant.
Coding change: c.11105A>G on transcript NM_001148.6 (MANE Select); coding-DNA position 11105, A replaced by G.
Protein change: p.Glu3702Gly; replaces glutamic acid 3702 with glycine.
Molecular consequence: missense variant.
Genome position (GRCh38, 1-based): chr4:113,367,638, A>G. VCF-style: chr4-113367638-A-G. GRCh37 (hg19) VCF-style: chr4-114288794-A-G.
Other names: c.4823A>G, p.Glu1608Gly (NM_001127493.3); c.4862A>G, p.Glu1621Gly (NM_001354225.2); c.4751A>G, p.Glu1584Gly (NM_001354228.2, NM_001354258.2); c.4829A>G, p.Glu1610Gly (NM_001354230.2); c.4892A>G, p.Glu1631Gly (NM_001354231.2, NM_001354242.2); c.4886A>G, p.Glu1629Gly (NM_001354232.2); c.4847A>G, p.Glu1616Gly (NM_001354235.2, NM_001354246.2, NM_001354265.2); c.4748A>G, p.Glu1583Gly (NM_001354236.2); and 35 more; short protein forms E1456G, E1489G, E1517G, E1522G, E1530G, E1539G, E1542G, E1544G.
Identifiers: ClinVar variation 1716615 (VCV001716615.7), dbSNP rs2507395358, ClinGen allele CA357941976.

ClinVar aggregate classification (germline): Uncertain significance. Review status: criteria provided, multiple submitters, no conflicts (2 of 4 stars). 2 submissions from 2 submitters: Uncertain significance (2). Last evaluated 2023-07-13.

Conditions:
Cardiovascular phenotype. Identifiers: MedGen CN230736.
Long QT syndrome (LQTS). Identifiers: MedGen C0023976, MeSH D008133, MONDO:0002442. Disease mechanism: loss of function. Inheritance: Various modes of inheritance.

Submissions (2):

Ambry Genetics
Classification: Uncertain significance for Cardiovascular phenotype. Last evaluated: 2023-07-13. Review status: criteria provided, single submitter. Criteria: Ambry Variant Classification Scheme 2023. Collection method: clinical testing. Allele origin: germline.
Comment: The p.E3702G variant (also known as c.11105A>G), located in coding exon 42 of the ANK2 gene, results from an A to G substitution at nucleotide position 11105. The glutamic acid at codon 3702 is replaced by glycine, an amino acid with similar properties. This amino acid position is conserved. In addition, the in silico prediction for this alteration is inconclusive. Since supporting evidence is limited at this time, the clinical significance of this alteration remains unclear.

Labcorp Genetics (formerly Invitae), Labcorp
Classification: Uncertain significance for Long QT syndrome. Last evaluated: 2022-08-03. Review status: criteria provided, single submitter. Criteria: Invitae Variant Classification Sherloc (09022015). Collection method: clinical testing. Allele origin: germline.
Comment: In summary, the available evidence is currently insufficient to determine the role of this variant in disease. Therefore, it has been classified as a Variant of Uncertain Significance. Algorithms developed to predict the effect of missense changes on protein structure and function (SIFT, PolyPhen-2, Align-GVGD) all suggest that this variant is likely to be tolerated. This variant has not been reported in the literature in individuals affected with ANK2-related conditions. This variant is not present in population databases (gnomAD no frequency). This sequence change replaces glutamic acid, which is acidic and polar, with glycine, which is neutral and non-polar, at codon 3702 of the ANK2 protein (p.Glu3702Gly).